The following is an entry in ClinVar:

ClinVar aggregate classification (germline): Conflicting classifications of pathogenicity. Review status: criteria provided, conflicting classifications (1 of 4 stars). 6 submissions from 6 submitters: Uncertain significance (5); Likely benign (1). Last evaluated 2025-08-11.

Conditions:
Early-infantile DEE. Also called: Early infantile epileptic encephalopathy; Ohtahara syndrome; Early infantile epileptic encephalopathy with suppression bursts. Identifiers: Orphanet 1934, MedGen C0393706, MONDO:0800491.
SCN1A-related disorder. Also called: SCN1A-related conditions; SCN1A-related condition; SCN1A-related disorders.
Inborn genetic diseases. Identifiers: MedGen C0950123, MeSH D030342.

Allele frequency attached by ClinVar (database versions not stated): gnomAD exomes 0.00001 and below 0.00001; TOPMed 0.00001; gnomAD 0.00001.
gnomAD v4.1: 5 of 1,611,942 alleles (0.00031%); highest among the groups gnomAD compares: Admixed American, 0.0084%; no homozygotes.

Submissions (6):

Labcorp Genetics (formerly Invitae), Labcorp
Classification: Likely benign for Early-infantile DEE. Last evaluated: 2025-08-11. Review status: criteria provided, single submitter. Criteria: Invitae Variant Classification Sherloc (09022015). Collection method: clinical testing. Allele origin: germline.

PreventionGenetics, part of Exact Sciences
Classification: Uncertain significance for SCN1A-related condition. Last evaluated: 2025-07-31. Review status: criteria provided, single submitter. Criteria: ACMG Guidelines, 2015. Collection method: clinical testing. Allele origin: germline.
Comment: The SCN1A c.4171A>C variant is predicted to result in the amino acid substitution p.Asn1391His. To our knowledge, this variant has not been reported in the literature. This variant is reported in 0.0029% of alleles in individuals of Latino descent in gnomAD. A different missense variant at the same amino acid codon (p.Asn1391Ser) has been reported in an individuals with SCN1A related disorders (Depienne et al. 2009. PubMed ID: 18930999; Human Gene Mutation Database). At this time, the clinical significance of the c.4171A>C (p.Asn1391His) variant is uncertain due to the absence of conclusive functional and genetic evidence.

GeneDx
Classification: Uncertain significance. Last evaluated: 2025-01-31. Review status: criteria provided, single submitter. Criteria: GeneDx Variant Classification Process June 2021. Collection method: clinical testing. Allele origin: germline. Affected: yes.
Comment: In silico analysis supports that this missense variant has a deleterious effect on protein structure/function; Has not been previously published as pathogenic or benign to our knowledge; This substitution is predicted to be within the extracellular loop between the S5 and S6 transmembrane segments of the third homologous domain; This variant is associated with the following publications: (PMID: 32347949, 18930999)

Blueprint Genetics
Classification: Uncertain significance. Last evaluated: 2023-05-12. Review status: criteria provided, single submitter. Criteria: ACMG Guidelines, 2015. Collection method: clinical testing. Allele origin: germline.

Ambry Genetics
Classification: Uncertain significance for Inborn genetic diseases. Last evaluated: 2016-06-13. Review status: criteria provided, single submitter. Criteria: Ambry Variant Classification Scheme 2023. Collection method: clinical testing. Allele origin: germline.
Comment: The p.N1391H variant (also known as c.4171A>C), located in coding exon 21 of the SCN1A gene, results from an A to C substitution at nucleotide position 4171. The asparagine at codon 1391 is replaced by histidine, an amino acid with similar properties. A different alteration at the same position, p.N1391S, has been identified in a patient with classic Dravet syndrome (Depienne C et al, J. Med. Genet. 2009 Mar; 46(3):183-91). The p.N1391H variant was not reported in population based cohorts in the following databases: Database of Single Nucleotide Polymorphisms (dbSNP), NHLBI Exome Sequencing Project (ESP), and 1000 Genomes Project. In the ESP, this variant was not observed in 6503 samples (13006 alleles) with coverage at this position. This amino acid position is not well conserved in available vertebrate species. In addition, the in silico prediction for this alteration is inconclusive. Since supporting evidence is limited at this time, the clinical significance of this variant remains unclear.

Rady Children's Institute for Genomic Medicine, Rady Children's Hospital San Diego
Classification: Uncertain significance for SCN1A-related conditions. Review status: criteria provided, single submitter. Criteria: ACMG Guidelines, 2015. Collection method: clinical testing. Allele origin: germline. Affected: yes. Study: CSER-NYCKidSeq.
Comment: This variant has not been previously reported or functionally characterized in the literature to our knowledge. A different missense change at the same codon (c.4172A>G, p.Asn1391Ser) has been previously reported as a heterozygous change in a patient with Dravet syndrome (PMID: 18930999). It is present in the heterozygous state in the gnomAD population database at a frequency of 0.0004% (1/250566) and thus is presumed to be rare. In silico tools used to predict the effect of this variant on protein function yield discordant results. Based on the available evidence, the c.4171A>C (p.Asn1391His) variant is classified as Variant of Uncertain Significance.

Literature cited by the submitters: PubMed 18930999 (cited by Ambry Genetics).

NM_001165963.4(SCN1A):c.4171A>C (p.Asn1391His)

Genes: SCN1A (sodium voltage-gated channel alpha subunit 1; minus strand), LOC102724058 (uncharacterized LOC102724058; plus strand). Cytogenetic location: 2q24.3.
Variant type: single nucleotide variant.
Coding change: c.4171A>C on transcript NM_001165963.4 (MANE Select); coding-DNA position 4171, A replaced by C.
Protein change: p.Asn1391His; replaces asparagine 1391 with histidine.
Molecular consequence: missense variant. On other transcripts: non-coding transcript variant (1).
Genome position (GRCh38, 1-based): chr2:166,002,585, T>G on the plus strand (A>C on the coding strand, the complement: SCN1A is on the minus strand). VCF-style: chr2-166002585-T-G. GRCh37 (hg19) VCF-style: chr2-166859095-T-G.
Other names: c.4171A>C (NM_001202435.1); c.4087A>C, p.Asn1363His (NM_001165964.3, NM_001353957.2, NM_001353958.2); c.4171A>C, p.Asn1391His (NM_001202435.3, NM_001353948.2); c.4138A>C, p.Asn1380His (NM_001353949.2, NM_001353950.2, NM_001353951.2 and 2 more transcripts); c.4135A>C, p.Asn1379His (NM_001353954.2, NM_001353955.2); c.4084A>C, p.Asn1362His (NM_001353960.2); c.1729A>C, p.Asn577His (NM_001353961.2); short protein forms N1380H, N1391H, N1379H, N1362H, N1363H, N577H.
Identifiers: ClinVar variation 449638 (VCV000449638.26), dbSNP rs1295072436, ClinGen allele CA349050199.